The following is an entry in ClinVar:

ClinVar aggregate classification (germline): Uncertain significance. Review status: criteria provided, multiple submitters, no conflicts (2 of 4 stars). 3 submissions from 3 submitters: Uncertain significance (3). Last evaluated 2024-08-01.

Conditions:
Familial cancer of breast. Also called: BREAST CANCER, FAMILIAL; hereditary breast carcinoma; Hereditary breast cancer. Identifiers: Orphanet 227535, MedGen C0346153, MONDO:0016419, OMIM 114480. Disease mechanism: loss of function.
Fanconi anemia complementation group J. Also called: BRIP1-Related Fanconi Anemia. Identifiers: Orphanet 84, MedGen C1836860, MONDO:0012187, OMIM 609054.
Hereditary cancer-predisposing syndrome. Also called: Hereditary Cancer Syndrome; Neoplastic Syndromes, Hereditary; Tumor predisposition; Hereditary neoplastic syndrome. Identifiers: Orphanet 140162, MedGen C0027672, MeSH D009386, MONDO:0015356.

Submissions (3):

Ambry Genetics
Classification: Uncertain significance for Hereditary cancer-predisposing syndrome. Last evaluated: 2024-08-01. Review status: criteria provided, single submitter. Criteria: Ambry Variant Classification Scheme 2023. Collection method: clinical testing. Allele origin: germline.
Comment: The p.H237R variant (also known as c.710A>G), located in coding exon 6 of the BRIP1 gene, results from an A to G substitution at nucleotide position 710. The histidine at codon 237 is replaced by arginine, an amino acid with highly similar properties. This amino acid position is poorly conserved in available vertebrate species. In addition, this alteration is predicted to be tolerated by in silico analysis. Since supporting evidence is limited at this time, the clinical significance of this alteration remains unclear.

Labcorp Genetics (formerly Invitae), Labcorp
Classification: Uncertain significance for Familial cancer of breast; Fanconi anemia complementation group J. Last evaluated: 2024-06-26. Review status: criteria provided, single submitter. Criteria: Invitae Variant Classification Sherloc (09022015). Collection method: clinical testing. Allele origin: germline.
Comment: This sequence change replaces histidine, which is basic and polar, with arginine, which is basic and polar, at codon 237 of the BRIP1 protein (p.His237Arg). This variant is not present in population databases (gnomAD no frequency). This variant has not been reported in the literature in individuals affected with BRIP1-related conditions. ClinVar contains an entry for this variant (Variation ID: 631177). Advanced modeling of protein sequence and biophysical properties (such as structural, functional, and spatial information, amino acid conservation, physicochemical variation, residue mobility, and thermodynamic stability) performed at Invitae indicates that this missense variant is not expected to disrupt BRIP1 protein function with a negative predictive value of 80%. In summary, the available evidence is currently insufficient to determine the role of this variant in disease. Therefore, it has been classified as a Variant of Uncertain Significance.

Color Diagnostics, LLC DBA Color Health
Classification: Uncertain significance for Hereditary cancer-predisposing syndrome. Last evaluated: 2023-12-05. Review status: criteria provided, single submitter. Criteria: ACMG Guidelines, 2015. Collection method: clinical testing. Allele origin: germline.
Comment: This missense variant replaces histidine with arginine at codon 237 of the BRIP1 protein. Computational prediction suggests that this variant may not impact protein structure and function (internally defined REVEL score threshold <= 0.5, PMID: 27666373). To our knowledge, functional studies have not been reported for this variant. This variant has not been reported in individuals affected with BRIP1-related disorders in the literature. This variant has not been identified in the general population by the Genome Aggregation Database (gnomAD). The available evidence is insufficient to determine the role of this variant in disease conclusively. Therefore, this variant is classified as a Variant of Uncertain Significance.

NM_032043.3(BRIP1):c.710A>G (p.His237Arg)

Gene: BRIP1 (BRCA1 interacting DNA helicase 1; minus strand). Cytogenetic location: 17q23.2.
Variant type: single nucleotide variant.
Coding change: c.710A>G on transcript NM_032043.3 (MANE Select); coding-DNA position 710, A replaced by G.
Protein change: p.His237Arg; replaces histidine 237 with arginine.
Molecular consequence: missense variant.
Genome position (GRCh38, 1-based): chr17:61,808,675, T>C on the plus strand (A>G on the coding strand, the complement: BRIP1 is on the minus strand). VCF-style: chr17-61808675-T-C. GRCh37 (hg19) VCF-style: chr17-59886036-T-C.
Other names: short protein forms H237R.
Identifiers: ClinVar variation 631177 (VCV000631177.18), dbSNP rs1567838288, ClinGen allele CA400485075.